The following is an entry in ClinVar:

NM_015474.4(SAMHD1):c.11C>G (p.Ala4Gly)

Gene: SAMHD1 (SAM and HD domain containing deoxynucleoside triphosphate triphosphohydrolase 1; minus strand). Cytogenetic location: 20q11.23.
Variant type: single nucleotide variant.
Coding change: c.11C>G on transcript NM_015474.4 (MANE Select); coding-DNA position 11, C replaced by G.
Protein change: p.Ala4Gly; replaces alanine 4 with glycine.
Molecular consequence: missense variant.
Genome position (GRCh38, 1-based): chr20:36,951,633, G>C on the plus strand (C>G on the coding strand, the complement: SAMHD1 is on the minus strand). VCF-style: chr20-36951633-G-C. GRCh37 (hg19) VCF-style: chr20-35580036-G-C.
Other names: c.11C>G, p.Ala4Gly (NM_001363729.2, NM_001363733.2); short protein forms A4G.
Identifiers: ClinVar variation 4737551 (VCV004737551.1).
Genomic context (GRCh38, chr20:36,951,633, plus strand): 5'-TTTGAGGGGGTTCTCGGGCTGTCATCGCAACGGGGACGCTTGGAGGGCTGCTCGGAATCG[G>C]CTCGCTGCATGGCTACACCTGGCGTCCGGCACAGCAGTCAAGAACCTCGGCGCCGGACCC-3'
Protein context (NP_056289.2, residues 1-14): MQR[Ala4Gly]DSEQPSKRPR

ClinVar aggregate classification (germline): Uncertain significance (1 of 4 stars; one submission).

Conditions:
Aicardi-Goutieres syndrome 5. Identifiers: Orphanet 51, MedGen C2749659, MONDO:0013059, OMIM 612952.

gnomAD v4.1: 7 of 1,613,644 alleles (0.00043%); highest among the groups gnomAD compares: Non-Finnish European, 0.00059%; no homozygotes.

Submission:

Labcorp Genetics (formerly Invitae), Labcorp
Classification: Uncertain significance for Aicardi-Goutieres syndrome 5. Last evaluated: 2025-12-02. Review status: criteria provided, single submitter. Criteria: Invitae Variant Classification Sherloc (09022015). Collection method: clinical testing. Allele origin: germline.
Comment: This sequence change replaces alanine, which is neutral and non-polar, with glycine, which is neutral and non-polar, at codon 4 of the SAMHD1 protein (p.Ala4Gly). This variant is present in population databases (rs755673943, gnomAD 0.0009%). This variant has not been reported in the literature in individuals affected with SAMHD1-related conditions. Invitae Evidence Modeling of protein sequence and biophysical properties (such as structural, functional, and spatial information, amino acid conservation, physicochemical variation, residue mobility, and thermodynamic stability) indicates that this missense variant is not expected to disrupt SAMHD1 protein function with a negative predictive value of 95%. In summary, the available evidence is currently insufficient to determine the role of this variant in disease. Therefore, it has been classified as a Variant of Uncertain Significance.